The following is an entry in ClinVar:

NM_030665.4(RAI1):c.5132G>A (p.Cys1711Tyr)

Gene: RAI1 (retinoic acid induced 1; plus strand). Cytogenetic location: 17p11.2.
Variant type: single nucleotide variant.
Coding change: c.5132G>A on transcript NM_030665.4 (MANE Select); coding-DNA position 5132, G replaced by A.
Protein change: p.Cys1711Tyr; replaces cysteine 1711 with tyrosine.
Molecular consequence: missense variant.
Genome position (GRCh38, 1-based): chr17:17,798,080, G>A. VCF-style: chr17-17798080-G-A. GRCh37 (hg19) VCF-style: chr17-17701394-G-A.
Other names: short protein forms C1711Y.
Identifiers: ClinVar variation 2867192 (VCV002867192.3), dbSNP rs2543624519, ClinGen allele CA398558409.
Genomic context (GRCh38, chr17:17,798,080, plus strand): 5'-AAAACCCGGCCAACTTCAAGGACCTTGGGGACCTCTGTGGGCCCTACTACCCTGAACACT[G>A]CCTCCCCAAAAAGAAGCCAAAACTCAAGGAGAAGGTGCGGCCAGAAGGCACCTGTGAGGA-3'
Protein context (NP_109590.3, residues 1701-1721): DLCGPYYPEH[Cys1711Tyr]LPKKKPKLKE

ClinVar aggregate classification (germline): Uncertain significance (1 of 4 stars; one submission).

Allele frequency attached by ClinVar (database versions not stated): gnomAD exomes below 0.00001.
gnomAD v4.1: 2 of 1,613,962 alleles (0.00012%); highest among the groups gnomAD compares: South Asian, 0.0022%; no homozygotes.

Submission:

Labcorp Genetics (formerly Invitae), Labcorp
Classification: Uncertain significance. Last evaluated: 2024-10-23. Review status: criteria provided, single submitter. Criteria: Invitae Variant Classification Sherloc (09022015). Collection method: clinical testing. Allele origin: germline.
Comment: This sequence change replaces cysteine, which is neutral and slightly polar, with tyrosine, which is neutral and polar, at codon 1711 of the RAI1 protein (p.Cys1711Tyr). This variant is not present in population databases (gnomAD no frequency). This variant has not been reported in the literature in individuals affected with RAI1-related conditions. Invitae Evidence Modeling of protein sequence and biophysical properties (such as structural, functional, and spatial information, amino acid conservation, physicochemical variation, residue mobility, and thermodynamic stability) indicates that this missense variant is not expected to disrupt RAI1 protein function with a negative predictive value of 80%. In summary, the available evidence is currently insufficient to determine the role of this variant in disease. Therefore, it has been classified as a Variant of Uncertain Significance.